The following is an entry in ClinVar:

NM_001206927.2(DNAH8):c.4852T>C (p.Cys1618Arg)

Gene: DNAH8 (dynein axonemal heavy chain 8; plus strand). Cytogenetic location: 6p21.2.
Variant type: single nucleotide variant.
Coding change: c.4852T>C on transcript NM_001206927.2 (MANE Select); coding-DNA position 4852, T replaced by C.
Protein change: p.Cys1618Arg; replaces cysteine 1618 with arginine.
Molecular consequence: missense variant.
Genome position (GRCh38, 1-based): chr6:38,845,580, T>C. VCF-style: chr6-38845580-T-C. GRCh37 (hg19) VCF-style: chr6-38813356-T-C.
Other names: c.4201T>C, p.Cys1401Arg (NM_001371.4); short protein forms C1401R, C1618R.
Identifiers: ClinVar variation 956690 (VCV000956690.6), dbSNP rs1411389193, ClinGen allele CA364006027.

ClinVar aggregate classification (germline): Uncertain significance. Review status: criteria provided, multiple submitters, no conflicts (2 of 4 stars). 2 submissions from 2 submitters: Uncertain significance (2). Last evaluated 2022-01-03.

Conditions:
Primary ciliary dyskinesia. Also called: Ciliary dyskinesia. Identifiers: Orphanet 244, MedGen C0008780, MONDO:0016575, HP:0012265.

Allele frequency attached by ClinVar (database versions not stated): gnomAD exomes below 0.00001 and 0.00001; TOPMed 0.00001.
gnomAD v4.1: 7 of 1,613,182 alleles (0.00043%); highest among the groups gnomAD compares: Admixed American, 0.0083%; no homozygotes.

Submissions (2):

Ambry Genetics
Classification: Uncertain significance. Last evaluated: 2022-01-03. Review status: criteria provided, single submitter. Criteria: Ambry Variant Classification Scheme 2023. Collection method: clinical testing. Allele origin: germline.

Labcorp Genetics (formerly Invitae), Labcorp
Classification: Uncertain significance for Primary ciliary dyskinesia. Last evaluated: 2021-09-29. Review status: criteria provided, single submitter. Criteria: Invitae Variant Classification Sherloc (09022015). Collection method: clinical testing. Allele origin: germline.
Comment: This sequence change replaces cysteine with arginine at codon 1618 of the DNAH8 protein (p.Cys1618Arg). The cysteine residue is moderately conserved and there is a large physicochemical difference between cysteine and arginine. This variant is not present in population databases (ExAC no frequency). This variant has not been reported in the literature in individuals affected with DNAH8-related conditions. Algorithms developed to predict the effect of missense changes on protein structure and function are either unavailable or do not agree on the potential impact of this missense change (SIFT: "Deleterious"; PolyPhen-2: "Not Available"; Align-GVGD: "Class C0"). In summary, the available evidence is currently insufficient to determine the role of this variant in disease. Therefore, it has been classified as a Variant of Uncertain Significance.